The following is an entry in ClinVar:

ClinVar aggregate classification (germline): Uncertain significance (1 of 4 stars; one submission).

Submission:

GeneDx
Classification: Uncertain significance. Last evaluated: 2017-10-27. Review status: criteria provided, single submitter. Criteria: GeneDx Variant Classification (06012015). Collection method: clinical testing. Allele origin: germline. Affected: yes.
Comment: A variant of uncertain significance has been identified in the PRRT2 gene. The M293R variant has not been published as a pathogenic variant, nor has it been reported as a benign variant to our knowledge. The M293R variant is not observed in large population cohorts (Lek et al., 2016). The M293R variant is a non-conservative amino acid substitution, which is likely to impact secondary protein structure as these residues differ in polarity, charge, size and/or other properties. Additionally, this substitution occurs at a position that is conserved across species, and in silico analysis predicts thisvariant is probably damaging to the protein structure/function. Based on the currently availableinformation, it is unclear whether this variant is a pathogenic variant or a rare benign variant.

NM_145239.3(PRRT2):c.878T>G (p.Met293Arg)

Genes: MVP-DT (MVP divergent transcript; minus strand), PRRT2 (proline rich transmembrane protein 2; plus strand). Cytogenetic location: 16p11.2.
Variant type: single nucleotide variant.
Coding change: c.878T>G on transcript NM_145239.3 (MANE Select); coding-DNA position 878, T replaced by G.
Protein change: p.Met293Arg; replaces methionine 293 with arginine.
Molecular consequence: missense variant.
Genome position (GRCh38, 1-based): chr16:29,813,932, T>G. VCF-style: chr16-29813932-T-G. GRCh37 (hg19) VCF-style: chr16-29825253-T-G.
Other names: c.878T>G, p.Met293Arg (NM_001256442.2, NM_001256443.2); short protein forms M293R.
Identifiers: ClinVar variation 453069 (VCV000453069.2), dbSNP rs1555502804, ClinGen allele CA395480258.